The following is an entry in ClinVar:

NM_004115.4(FGF14):c.700A>G (p.Ile234Val)

Gene: FGF14 (fibroblast growth factor 14; minus strand). Cytogenetic location: 13q33.1.
Variant type: single nucleotide variant.
Coding change: c.700A>G on transcript NM_004115.4 (MANE Select); coding-DNA position 700, A replaced by G.
Protein change: p.Ile234Val; replaces isoleucine 234 with valine.
Molecular consequence: missense variant.
Genome position (GRCh38, 1-based): chr13:101,722,875, T>C on the plus strand (A>G on the coding strand, the complement: FGF14 is on the minus strand). VCF-style: chr13-101722875-T-C. GRCh37 (hg19) VCF-style: chr13-102375225-T-C.
Other names: c.520A>G, p.Ile174Val (NM_001321940.1, NM_001321933.1, NM_001321938.2); c.514A>G, p.Ile172Val (NM_001321941.2); c.448A>G, p.Ile150Val (NM_001321942.1, NM_001321943.1, NM_001321946.2 and 4 more transcripts); c.511A>G, p.Ile171Val (NM_001321944.1, NM_001321932.1, NM_001321936.1); c.598A>G, p.Ile200Val (NM_001321945.2, NM_001321948.2, NM_001379342.1); c.559A>G, p.Ile187Val (NM_001321947.2); c.715A>G, p.Ile239Val (NM_175929.3); c.604A>G, p.Ile202Val (NM_001321939.2); short protein forms I150V, I171V, I172V, I174V, I187V, I200V, I202V, I234V.
Identifiers: ClinVar variation 4682429 (VCV004682429.1).
Genomic context (GRCh38, chr13:101,722,875, plus strand): 5'-ACCTGTGAGGATCTGGCTATGTTGTCTTACTCTTGTTGACTGGTTTGCCTCCATTCATTA[T>C]TGCAGACGCACTTGTGCTTTTACTTGGCGTCACCCCAGGCTTCGGGACCGTTTCCCCAAC-3'
Protein context (NP_004106.1, residues 224-244): TPSKSTSASA[Ile234Val]MNGGKPVNKS

ClinVar aggregate classification (germline): Likely benign (1 of 4 stars; one submission).

gnomAD v4.1: 34 of 1,613,380 alleles (0.0021%); highest among the groups gnomAD compares: South Asian, 0.033%; no homozygotes.

Submission:

Athena Diagnostics
Classification: Likely benign. Last evaluated: 2025-08-04. Review status: criteria provided, single submitter. Criteria: Athena Diagnostics Criteria. Collection method: clinical testing. Allele origin: unknown.
Comment: The frequency of this variant in the general population is higher than would generally be expected for pathogenic variants in this gene. Computational tools predict this amino acid change may be benign.